The following is an entry in ClinVar:

NM_005219.5(DIAPH1):c.724C>G (p.Leu242Val)

Gene: DIAPH1 (diaphanous related formin 1; minus strand). Cytogenetic location: 5q31.3.
Variant type: single nucleotide variant.
Coding change: c.724C>G on transcript NM_005219.5 (MANE Select); coding-DNA position 724, C replaced by G.
Protein change: p.Leu242Val; replaces leucine 242 with valine.
Molecular consequence: missense variant.
Genome position (GRCh38, 1-based): chr5:141,580,844, G>C on the plus strand (C>G on the coding strand, the complement: DIAPH1 is on the minus strand). VCF-style: chr5-141580844-G-C. GRCh37 (hg19) VCF-style: chr5-140960411-G-C.
Other names: c.697C>G, p.Leu233Val (NM_001079812.3); c.724C>G, p.Leu242Val (NM_001314007.2); short protein forms L233V, L242V.
Identifiers: ClinVar variation 568520 (VCV000568520.10), dbSNP rs766359994, ClinGen allele CA3479494.

ClinVar aggregate classification (germline): Uncertain significance. Review status: criteria provided, multiple submitters, no conflicts (2 of 4 stars). 2 submissions from 2 submitters: Uncertain significance (2). Last evaluated 2024-10-16.

Conditions:
Autosomal dominant nonsyndromic hearing loss 1. Also called: DEAFNESS, AUTOSOMAL DOMINANT 1, WITH OR WITHOUT THROMBOCYTOPENIA; KONIGSMARK SYNDROME. Identifiers: Orphanet 90635, MedGen C1852282, MONDO:0007424, OMIM 124900.
Progressive microcephaly-seizures-cortical blindness-developmental delay syndrome. Also called: Seizures, cortical blindness, and microcephaly syndrome. Identifiers: Orphanet 477814, MedGen C5567650, MONDO:0014714, OMIM 616632.

Allele frequency attached by ClinVar (database versions not stated): ExAC 0.00001; gnomAD 0.00001; gnomAD exomes 0.00001; TOPMed 0.00001.
gnomAD v4.1: 11 of 1,614,044 alleles (0.00068%); highest among the groups gnomAD compares: Admixed American, 0.0017%; no homozygotes.

Submissions (2):

Labcorp Genetics (formerly Invitae), Labcorp
Classification: Uncertain significance for Progressive microcephaly-seizures-cortical blindness-developmental delay syndrome; Autosomal dominant nonsyndromic hearing loss 1. Last evaluated: 2024-10-16. Review status: criteria provided, single submitter. Criteria: Invitae Variant Classification Sherloc (09022015). Collection method: clinical testing. Allele origin: germline.
Comment: This sequence change replaces leucine, which is neutral and non-polar, with valine, which is neutral and non-polar, at codon 242 of the DIAPH1 protein (p.Leu242Val). This variant is present in population databases (rs766359994, gnomAD 0.0009%). This variant has not been reported in the literature in individuals affected with DIAPH1-related conditions. ClinVar contains an entry for this variant (Variation ID: 568520). Experimental studies and prediction algorithms are not available or were not evaluated, and the functional significance of this variant is currently unknown. In summary, the available evidence is currently insufficient to determine the role of this variant in disease. Therefore, it has been classified as a Variant of Uncertain Significance.

Blueprint Genetics
Classification: Uncertain significance. Last evaluated: 2022-09-23. Review status: criteria provided, single submitter. Criteria: ACMG Guidelines, 2015. Collection method: clinical testing. Allele origin: germline.